The following is an entry in ClinVar:

ClinVar aggregate classification (germline): Uncertain significance (1 of 4 stars; one submission).

Conditions:
Cardiomyopathy (CMYO). Also called: Cardiomyopathies. Identifiers: Orphanet 167848, MedGen C0878544, MONDO:0004994, HP:0001638. Inheritance: Various modes of inheritance.

Allele frequency attached by ClinVar (database versions not stated): gnomAD exomes below 0.00001; TOPMed 0.00001.
gnomAD v4.1: 4 of 1,614,112 alleles (0.00025%); highest among the groups gnomAD compares: Admixed American, 0.0017%; no homozygotes.

Submission:

Color Diagnostics, LLC DBA Color Health
Classification: Uncertain significance for Cardiomyopathy. Last evaluated: 2024-03-06. Review status: criteria provided, single submitter. Criteria: ACMG Guidelines, 2015. Collection method: clinical testing. Allele origin: germline.
Comment: This missense variant replaces threonine with alanine at codon 851 of the PKP2 protein. Computational prediction suggests that this variant may not impact protein structure and function (internally defined REVEL score threshold <= 0.5, PMID: 27666373). To our knowledge, functional studies have not been reported for this variant. This variant has not been reported in individuals affected with cardiovascular disorders in the literature. This variant has not been identified in the general population by the Genome Aggregation Database (gnomAD). The available evidence is insufficient to determine the role of this variant in disease conclusively. Therefore, this variant is classified as a Variant of Uncertain Significance.

NM_001005242.3(PKP2):c.2419A>G (p.Thr807Ala)

Gene: PKP2 (plakophilin 2; minus strand). Cytogenetic location: 12p11.21.
Variant type: single nucleotide variant.
Coding change: c.2419A>G on transcript NM_001005242.3 (MANE Select); coding-DNA position 2419, A replaced by G.
Protein change: p.Thr807Ala; replaces threonine 807 with alanine.
Molecular consequence: missense variant. On other transcripts: synonymous variant (2).
Genome position (GRCh38, 1-based): chr12:32,792,670, T>C on the plus strand (A>G on the coding strand, the complement: PKP2 is on the minus strand). VCF-style: chr12-32792670-T-C. GRCh37 (hg19) VCF-style: chr12-32945604-T-C.
Other names: c.2229A>G, p.Thr743= (NM_001407155.1); c.2254A>G, p.Thr752Ala (NM_001407156.1); c.2092A>G, p.Thr698Ala (NM_001407158.1, NM_001407159.1); c.1902A>G, p.Thr634= (NM_001407160.1); c.2551A>G, p.Thr851Ala (NM_004572.4); short protein forms T698A, T807A, T752A, T851A.
Identifiers: ClinVar variation 2774075 (VCV002774075.2), dbSNP rs1956080915, ClinGen allele CA384356886.
Genomic context (GRCh38, chr12:32,792,670, plus strand): 5'-TTAACTATGACACATTCCTTGTTCATGTTCTTACCTTCTTGTAGGCATGATGCAGTTCCG[T>C]GTGTGCCCACAGAGAATACAGAAGGACGGAAGCAGCTTTACTTGCTTTGTTGGAGGCATA-3'
Protein context (NP_001005242.2, residues 797-817): SVLLYSLWAH[Thr807Ala]ELHHAYKKAQ